The following is an entry in ClinVar:

ClinVar aggregate classification (germline): Uncertain significance (1 of 4 stars; one submission).

gnomAD v4.1: 1 of 1,486,984 alleles (0.000067%); highest among the groups gnomAD compares: South Asian, 0.0012%; no homozygotes.

Submission:

GeneDx
Classification: Uncertain significance. Last evaluated: 2025-04-02. Review status: criteria provided, single submitter. Criteria: GeneDx Variant Classification Process June 2021. Collection method: clinical testing. Allele origin: germline. Affected: yes.
Comment: Not observed at significant frequency in large population cohorts (gnomAD); In silico analysis indicates that this missense variant does not alter protein structure/function; Has not been previously published as pathogenic or benign to our knowledge

NM_014727.3(KMT2B):c.6685C>G (p.Pro2229Ala)

Gene: KMT2B (lysine methyltransferase 2B; plus strand). Cytogenetic location: 19q13.12.
Variant type: single nucleotide variant.
Coding change: c.6685C>G on transcript NM_014727.3 (MANE Select); coding-DNA position 6685, C replaced by G.
Protein change: p.Pro2229Ala; replaces proline 2229 with alanine.
Molecular consequence: missense variant.
Genome position (GRCh38, 1-based): chr19:35,733,234, C>G. VCF-style: chr19-35733234-C-G. GRCh37 (hg19) VCF-style: chr19-36224135-C-G.
Other names: short protein forms P2229A.
Identifiers: ClinVar variation 4278750 (VCV004278750.1).